The following is an entry in ClinVar:

ClinVar aggregate classification (germline): Uncertain significance (1 of 4 stars; one submission).

Conditions:
Inborn genetic diseases. Identifiers: MedGen C0950123, MeSH D030342.

Submission:

Ambry Genetics
Classification: Uncertain significance for Inborn genetic diseases. Last evaluated: 2025-08-20. Review status: criteria provided, single submitter. Criteria: Ambry Variant Classification Scheme 2023. Collection method: clinical testing. Allele origin: germline.
Comment: The p.N1105K variant (also known as c.3315C>A), located in coding exon 13 of the ASXL1 gene, results from a C to A substitution at nucleotide position 3315. The asparagine at codon 1105 is replaced by lysine, an amino acid with similar properties. This amino acid position is conserved. In addition, this alteration is predicted to be tolerated by in silico analysis. Based on the available evidence, the clinical significance of this variant remains unclear.

NM_015338.6(ASXL1):c.3315C>A (p.Asn1105Lys)

Gene: ASXL1 (ASXL transcriptional regulator 1; plus strand). Cytogenetic location: 20q11.21.
Variant type: single nucleotide variant.
Coding change: c.3315C>A on transcript NM_015338.6 (MANE Select); coding-DNA position 3315, C replaced by A.
Protein change: p.Asn1105Lys; replaces asparagine 1105 with lysine.
Molecular consequence: missense variant.
Genome position (GRCh38, 1-based): chr20:32,436,027, C>A. VCF-style: chr20-32436027-C-A. GRCh37 (hg19) VCF-style: chr20-31023830-C-A.
Other names: c.3132C>A, p.Asn1044Lys (NM_001363734.1); short protein forms N1105K, N1044K.
Identifiers: ClinVar variation 4158983 (VCV004158983.1).